The following is an entry in ClinVar:

NM_007194.4(CHEK2):c.1114T>G (p.Ser372Ala)

Gene: CHEK2 (checkpoint kinase 2; minus strand). Cytogenetic location: 22q12.1.
Variant type: single nucleotide variant.
Coding change: c.1114T>G on transcript NM_007194.4 (MANE Select); coding-DNA position 1114, T replaced by G.
Protein change: p.Ser372Ala; replaces serine 372 with alanine.
Molecular consequence: missense variant.
Genome position (GRCh38, 1-based): chr22:28,695,855, A>C on the plus strand (T>G on the coding strand, the complement: CHEK2 is on the minus strand). VCF-style: chr22-28695855-A-C. GRCh37 (hg19) VCF-style: chr22-29091843-A-C.
Other names: c.1243T>G, p.Ser415Ala (NM_001005735.3); c.451T>G, p.Ser151Ala (NM_001257387.3); c.913T>G, p.Ser305Ala (NM_001349956.3); c.1027T>G, p.Ser343Ala (NM_145862.3); short protein forms S372A, S415A, S151A, S305A, S343A.
Identifiers: ClinVar variation 479570 (VCV000479570.13), dbSNP rs1555913901, ClinGen allele CA411097102.

ClinVar aggregate classification (germline): Uncertain significance. Review status: criteria provided, multiple submitters, no conflicts (2 of 4 stars). 2 submissions from 2 submitters: Uncertain significance (2). Last evaluated 2025-01-02.

Conditions:
Hereditary cancer-predisposing syndrome. Also called: Hereditary Cancer Syndrome; Neoplastic Syndromes, Hereditary; Tumor predisposition; Hereditary neoplastic syndrome. Identifiers: Orphanet 140162, MedGen C0027672, MeSH D009386, MONDO:0015356.
Familial cancer of breast. Also called: BREAST CANCER, FAMILIAL; Hereditary breast cancer; hereditary breast carcinoma. Identifiers: Orphanet 227535, MedGen C0346153, MONDO:0016419, OMIM 114480. Disease mechanism: loss of function.

Submissions (2):

Ambry Genetics
Classification: Uncertain significance for Hereditary cancer-predisposing syndrome. Last evaluated: 2025-01-02. Review status: criteria provided, single submitter. Criteria: Ambry Variant Classification Scheme 2023. Collection method: clinical testing. Allele origin: germline.
Comment: The p.S372A variant (also known as c.1114T>G), located in coding exon 10 of the CHEK2 gene, results from a T to G substitution at nucleotide position 1114. The serine at codon 372 is replaced by alanine, an amino acid with similar properties. This serine is a target of phosphorylation, and a substitution with alanine has been shown in a cell system to be associated with a reduction of kinase response to radiation-induced DNA damage (Guo X et al, J. Biol. Chem. 2010 Oct;285(43):33348-57). This amino acid position is highly conserved in available vertebrate species. In addition, the in silico prediction for this alteration is inconclusive. Since supporting evidence is limited at this time, the clinical significance of this alteration remains unclear.

Labcorp Genetics (formerly Invitae), Labcorp
Classification: Uncertain significance for Familial cancer of breast. Last evaluated: 2024-11-05. Review status: criteria provided, single submitter. Criteria: Invitae Variant Classification Sherloc (09022015). Collection method: clinical testing. Allele origin: germline.
Comment: This sequence change replaces serine, which is neutral and polar, with alanine, which is neutral and non-polar, at codon 372 of the CHEK2 protein (p.Ser372Ala). This variant is not present in population databases (gnomAD no frequency). This variant has not been reported in the literature in individuals affected with CHEK2-related conditions. ClinVar contains an entry for this variant (Variation ID: 479570). An algorithm developed to predict the effect of missense changes on protein structure and function (PolyPhen-2) suggests that this variant is likely to be disruptive. Experimental studies have shown that this missense change affects CHEK2 function (PMID: 20713355). In summary, the available evidence is currently insufficient to determine the role of this variant in disease. Therefore, it has been classified as a Variant of Uncertain Significance.

Literature cited by the submitters: PubMed 20713355 (cited by Ambry Genetics and Labcorp Genetics (formerly Invitae), Labcorp).